The following is an entry in ClinVar:

NM_144670.6(A2ML1):c.3554C>G (p.Pro1185Arg)

Gene: A2ML1 (alpha-2-macroglobulin like 1; plus strand). Cytogenetic location: 12p13.31.
Variant type: single nucleotide variant.
Coding change: c.3554C>G on transcript NM_144670.6 (MANE Select); coding-DNA position 3554, C replaced by G.
Protein change: p.Pro1185Arg; replaces proline 1185 with arginine.
Molecular consequence: missense variant.
Genome position (GRCh38, 1-based): chr12:8,863,845, C>G. VCF-style: chr12-8863845-C-G. GRCh37 (hg19) VCF-style: chr12-9016441-C-G.
Other names: c.2081C>G, p.Pro694Arg (NM_001282424.3); short protein forms P1185R, P694R.
Identifiers: ClinVar variation 1024259 (VCV001024259.11), dbSNP rs942636799, ClinGen allele CA383841900.
Genomic context (GRCh38, chr12:8,863,845, plus strand): 5'-TTTCCATAGGAGAATCCATTTACTGGAGCCAGAAACCTACTCCATCATCGAACGCCAGCC[C>G]TTGGTCTGAGCCTGCGGCTGTAGATGTGGAACTCACAGCATATGCATTGTTGGCCCAGCT-3'
Protein context (NP_653271.3, residues 1175-1195): QKPTPSSNAS[Pro1185Arg]WSEPAAVDVE

ClinVar aggregate classification (germline): Uncertain significance. Review status: criteria provided, multiple submitters, no conflicts (2 of 4 stars). 2 submissions from 2 submitters: Uncertain significance (2). Last evaluated 2025-05-23.

Allele frequency attached by ClinVar (database versions not stated): gnomAD exomes below 0.00001.
gnomAD v4.1: 4 of 1,614,218 alleles (0.00025%); highest among the groups gnomAD compares: Non-Finnish European, 0.00034%; no homozygotes.

Submissions (2):

Labcorp Genetics (formerly Invitae), Labcorp
Classification: Uncertain significance. Last evaluated: 2025-05-23. Review status: criteria provided, single submitter. Criteria: Invitae Variant Classification Sherloc (09022015). Collection method: clinical testing. Allele origin: germline.
Comment: This sequence change replaces proline, which is neutral and non-polar, with arginine, which is basic and polar, at codon 1185 of the A2ML1 protein (p.Pro1185Arg). This variant is not present in population databases (gnomAD no frequency). This variant has not been reported in the literature in individuals affected with A2ML1-related conditions. ClinVar contains an entry for this variant (Variation ID: 1024259). An algorithm developed to predict the effect of missense changes on protein structure and function (PolyPhen-2) suggests that this variant is likely to be tolerated. In summary, the available evidence is currently insufficient to determine the role of this variant in disease. Therefore, it has been classified as a Variant of Uncertain Significance.

Ambry Genetics
Classification: Uncertain significance. Last evaluated: 2024-10-07. Review status: criteria provided, single submitter. Criteria: Ambry Variant Classification Scheme 2023. Collection method: clinical testing. Allele origin: germline.
Comment: The p.P1185R variant (also known as c.3554C>G), located in coding exon 29 of the A2ML1 gene, results from a C to G substitution at nucleotide position 3554. The proline at codon 1185 is replaced by arginine, an amino acid with dissimilar properties. This amino acid position is conserved. In addition, this alteration is predicted to be tolerated by in silico analysis. Since supporting evidence is limited at this time, the clinical significance of this alteration remains unclear.